The following is an entry in ClinVar:

NM_000744.7(CHRNA4):c.1143C>T (p.Ala381=)

Gene: CHRNA4 (cholinergic receptor nicotinic alpha 4 subunit; minus strand). Cytogenetic location: 20q13.33.
Variant type: single nucleotide variant.
Coding change: c.1143C>T on transcript NM_000744.7 (MANE Select); coding-DNA position 1143, C replaced by T.
Protein change: p.Ala381=; no amino-acid change (alanine 381 retained).
Molecular consequence: synonymous variant. On other transcripts: non-coding transcript variant (1).
Genome position (GRCh38, 1-based): chr20:63,350,268, G>A on the plus strand (C>T on the coding strand, the complement: CHRNA4 is on the minus strand). VCF-style: chr20-63350268-G-A. GRCh37 (hg19) VCF-style: chr20-61981620-G-A.
Other names: p.A381A:GCC>GCT; c.615C>T, p.Ala205= (NM_001256573.2).
Identifiers: ClinVar variation 128744 (VCV000128744.49), dbSNP rs75221202, ClinGen allele CA288716.

ClinVar aggregate classification (germline): Benign/Likely benign. Review status: criteria provided, multiple submitters, no conflicts (2 of 4 stars). 9 submissions from 9 submitters: Benign (4); Likely benign (5). Last evaluated 2026-03-01.

Conditions:
Inborn genetic diseases. Identifiers: MedGen C0950123, MeSH D030342.
Familial sleep-related hypermotor epilepsy. Also called: Autosomal Dominant Sleep-Related Hypermotor (Hyperkinetic) Epilepsy. Identifiers: Orphanet 98784, MedGen C3696898, MONDO:0000030.

Allele frequency attached by ClinVar (database versions not stated): gnomAD exomes 0.00034 and 0.00070; ExAC 0.00073; gnomAD 0.00199 and 0.00208; ESP Exome Variant Server 0.00208; TOPMed 0.00230; 1000 Genomes Project 0.00280; 1000 Genomes Project 30x 0.00297.

Submissions (9):

CeGaT Center for Human Genetics Tuebingen
Classification: Likely benign. Last evaluated: 2026-03-01. Review status: criteria provided, single submitter. Criteria: CeGaT Center For Human Genetics Tuebingen Variant Classification Criteria Version 2. Collection method: clinical testing. Allele origin: germline. Affected: yes. Observed: 4 variant alleles.
Comment: CHRNA4: BP4, BP7

Labcorp Genetics (formerly Invitae), Labcorp
Classification: Benign. Last evaluated: 2026-01-25. Review status: criteria provided, single submitter. Criteria: Invitae Variant Classification Sherloc (09022015). Collection method: clinical testing. Allele origin: germline.

Blueprint Genetics
Classification: Likely benign. Last evaluated: 2024-11-28. Review status: criteria provided, single submitter. Criteria: ACMG Guidelines, 2015. Collection method: clinical testing. Allele origin: germline.

Athena Diagnostics
Classification: Benign. Last evaluated: 2024-01-30. Review status: criteria provided, single submitter. Criteria: Athena Diagnostics Criteria. Collection method: clinical testing. Allele origin: unknown.

Eurofins Ntd Llc (ga)
Classification: Benign. Last evaluated: 2016-09-14. Review status: criteria provided, single submitter. Criteria: EGL Classification Definitions 2015. Collection method: clinical testing. Allele origin: germline. Observed: 1 variant allele, 1 heterozygote.

Ambry Genetics
Classification: Likely benign for Inborn genetic diseases. Last evaluated: 2016-09-06. Review status: criteria provided, single submitter. Criteria: Ambry Variant Classification Scheme 2023. Collection method: clinical testing. Allele origin: germline.

Genetic Services Laboratory, University of Chicago
Classification: Likely benign for AllHighlyPenetrant. Last evaluated: 2013-08-27. Review status: criteria provided, single submitter. Criteria: ACMG Guidelines, 2007. Collection method: clinical testing. Allele origin: germline. Inheritance: Autosomal dominant inheritance.

GeneDx
Classification: Benign. Last evaluated: 2013-03-15. Review status: criteria provided, single submitter. Criteria: GeneDx Variant Classification (06012015). Collection method: clinical testing. Allele origin: germline. Affected: yes.
Comment: This variant is considered likely benign or benign based on one or more of the following criteria: it is a conservative change, it occurs at a poorly conserved position in the protein, it is predicted to be benign by multiple in silico algorithms, and/or has population frequency not consistent with disease.

Breakthrough Genomics
Classification: Likely benign. Review status: criteria provided, single submitter. Criteria: ACMG Guidelines, 2015. Collection method: not provided. Allele origin: germline. Inheritance: Autosomal dominant inheritance. Affected: yes.

Literature cited by the submitters: PubMed 21683344 (cited by Athena Diagnostics).